The following is an entry in ClinVar:

NM_017780.4(CHD7):c.2195dup (p.Pro733fs)

Gene: CHD7 (chromodomain helicase DNA binding protein 7; plus strand). Cytogenetic location: 8q12.2.
Variant type: Duplication.
Coding change: c.2195dup on transcript NM_017780.4 (MANE Select); coding-DNA position 2195, one base duplicated (C; older notation c.2195dupC).
Protein change: p.Pro733fs; shifts the reading frame from proline 733.
Molecular consequence: frameshift variant. On other transcripts: intron variant (1).
Genome position (GRCh38, 1-based): chr8:60,795,084, C duplicated; the last of 5 consecutive C bases (chr8:60,795,080-60,795,084); duplicating any one gives the same sequence. VCF-style (leftmost placement, unchanged base first): chr8-60795079-A-AC. GRCh37 (hg19) VCF-style: chr8-61707638-A-AC.
Other names: c.1716+14034dup (NM_001316690.1); short protein forms P733fs.
Identifiers: ClinVar variation 657791 (VCV000657791.6), dbSNP rs1586341138, ClinGen allele CA915945709.
Genomic context (GRCh38, chr8:60,795,079, plus strand): 5'-GAAGAAAAAGGTCAACAAGGGAAAAACAGAAGGTTCTGAAAATTCAGACTTAGACAAAAC[A>AC]CCCCCACCATCTCCTCCTCCTGAAGAAGATGAGGACCCAGGTGTTCAGGTAATACAATTA-3'

ClinVar aggregate classification (germline): Pathogenic (1 of 4 stars; one submission).

Conditions:
CHARGE syndrome (CHARGE). Also called: Coloboma, heart anomaly, choanal atresia, retardation, genital and ear anomalies; CHARGE association; Hall-Hittner syndrome; Hittner Hirsch Kreh syndrome; CHARGE ASSOCIATION--COLOBOMA, HEART ANOMALY, CHOANAL ATRESIA, RETARDATION, GENITAL AND EAR ANOMALIES. Identifiers: Orphanet 138, MedGen C0265354, MONDO:0008965.

Submission:

Labcorp Genetics (formerly Invitae), Labcorp
Classification: Pathogenic for CHARGE syndrome. Last evaluated: 2018-10-13. Review status: criteria provided, single submitter. Criteria: Invitae Variant Classification Sherloc (09022015). Collection method: clinical testing. Allele origin: germline.
Comment: This variant has not been reported in the literature in individuals with CHD7-related disease. Loss-of-function variants in CHD7 are known to be pathogenic (PMID: 22461308, 25077900). This sequence change creates a premature translational stop signal (p.Pro733Thrfs*6) in the CHD7 gene. It is expected to result in an absent or disrupted protein product. This variant is not present in population databases (ExAC no frequency). For these reasons, this variant has been classified as Pathogenic.

Literature cited by the submitters: PubMed 22461308; PubMed 25077900.